The following is an entry in ClinVar:

NM_001330078.2(NRXN1):c.1463_1464del (p.Glu488fs)

Gene: NRXN1 (neurexin 1; minus strand). Cytogenetic location: 2p16.3.
Variant type: Microsatellite.
Coding change: c.1463_1464del on transcript NM_001330078.2 (MANE Select); coding-DNA positions 1463 to 1464, 2 bases deleted (AG; older notation c.1463_1464delAG).
Protein change: p.Glu488fs; shifts the reading frame from glutamic acid 488.
Molecular consequence: frameshift variant.
Genome position (GRCh38, 1-based): chr2:50,552,882-50,552,883, CT deleted on the plus strand (AG on the coding strand, the reverse complement: NRXN1 is on the minus strand); deleting any 2 consecutive bases within chr2:50,552,882-50,552,885 gives the same sequence; the c. name uses the placement nearest the transcript's 3' end. VCF-style (leftmost placement, unchanged base first): chr2-50552881-ACT-A. GRCh37 (hg19) VCF-style: chr2-50780019-ACT-A.
Other names: c.1583_1584del, p.Glu528fs (NM_001135659.3); c.1439_1440del, p.Glu480fs (NM_001330077.2, NM_001330082.2, NM_001330095.2); c.1424_1425del, p.Glu475fs (NM_001330083.2, NM_001330084.2); c.1463_1464del, p.Glu488fs (NM_001330085.2, NM_001330086.2, NM_004801.6); c.1379_1380del, p.Glu460fs (NM_001330087.2, NM_001330096.2); c.1409_1410del, p.Glu470fs (NM_001330088.2); c.1460_1461del, p.Glu487fs (NM_001330093.2); c.1451_1452del, p.Glu484fs (NM_001330094.2); short protein forms E475fs, E480fs, E460fs, E487fs, E470fs, E484fs, E488fs, E528fs.
Identifiers: ClinVar variation 2844253 (VCV002844253.3), dbSNP rs2465829202, ClinGen allele CA2739274431.

ClinVar aggregate classification (germline): Pathogenic (1 of 4 stars; one submission).

Conditions:
Pitt-Hopkins-like syndrome 2 (PTHSL2). Identifiers: Orphanet 221150, Orphanet 600663, MedGen C3280479, MONDO:0013690, OMIM 614325.

Submission:

Labcorp Genetics (formerly Invitae), Labcorp
Classification: Pathogenic for Pitt-Hopkins-like syndrome 2. Last evaluated: 2023-03-08. Review status: criteria provided, single submitter. Criteria: Invitae Variant Classification Sherloc (09022015). Collection method: clinical testing. Allele origin: germline.
Comment: This sequence change creates a premature translational stop signal (p.Glu528Valfs*7) in the NRXN1 gene. It is expected to result in an absent or disrupted protein product. Loss-of-function variants in NRXN1 are known to be pathogenic (PMID: 19896112, 21964664, 23495017, 23533028, 25149956, 30031152). For these reasons, this variant has been classified as Pathogenic. This variant has not been reported in the literature in individuals affected with NRXN1-related conditions. This variant is not present in population databases (gnomAD no frequency).

Literature cited by the submitters: PubMed 19896112; PubMed 21964664; PubMed 23495017; PubMed 23533028; PubMed 25149956; PubMed 30031152.